The following is an entry in ClinVar:

ClinVar aggregate classification (germline): Uncertain significance (1 of 4 stars; one submission).

Submission:

Labcorp Genetics (formerly Invitae), Labcorp
Classification: Uncertain significance. Last evaluated: 2022-12-23. Review status: criteria provided, single submitter. Criteria: Invitae Variant Classification Sherloc (09022015). Collection method: clinical testing. Allele origin: germline.
Comment: This sequence change replaces serine, which is neutral and polar, with isoleucine, which is neutral and non-polar, at codon 804 of the MSH3 protein (p.Ser804Ile). This variant is not present in population databases (gnomAD no frequency). This variant has not been reported in the literature in individuals affected with MSH3-related conditions. Algorithms developed to predict the effect of missense changes on protein structure and function are either unavailable or do not agree on the potential impact of this missense change (SIFT: "Deleterious"; PolyPhen-2: "Possibly Damaging"; Align-GVGD: "Class C0"). In summary, the available evidence is currently insufficient to determine the role of this variant in disease. Therefore, it has been classified as a Variant of Uncertain Significance.

NM_002439.5(MSH3):c.2411G>T (p.Ser804Ile)

Gene: MSH3 (mutS homolog 3; plus strand). Cytogenetic location: 5q14.1.
Variant type: single nucleotide variant.
Coding change: c.2411G>T on transcript NM_002439.5 (MANE Select); coding-DNA position 2411, G replaced by T.
Protein change: p.Ser804Ile; replaces serine 804 with isoleucine.
Molecular consequence: missense variant.
Genome position (GRCh38, 1-based): chr5:80,778,812, G>T. VCF-style: chr5-80778812-G-T. GRCh37 (hg19) VCF-style: chr5-80074631-G-T.
Other names: short protein forms S804I.
Identifiers: ClinVar variation 2993838 (VCV002993838.3), dbSNP rs1411328201, ClinGen allele CA360281889.